The following is an entry in ClinVar:

NM_007327.4(GRIN1):c.1399G>A (p.Ala467Thr)

Gene: GRIN1 (glutamate ionotropic receptor NMDA type subunit 1; plus strand). Cytogenetic location: 9q34.3.
Variant type: single nucleotide variant.
Coding change: c.1399G>A on transcript NM_007327.4 (MANE Select); coding-DNA position 1399, G replaced by A.
Protein change: p.Ala467Thr; replaces alanine 467 with threonine.
Molecular consequence: missense variant.
Genome position (GRCh38, 1-based): chr9:137,161,348, G>A. VCF-style: chr9-137161348-G-A. GRCh37 (hg19) VCF-style: chr9-140055800-G-A.
Other names: c.1399G>A, p.Ala467Thr (NM_000832.7, NM_021569.4); c.1462G>A, p.Ala488Thr (NM_001185090.2, NM_001185091.2); short protein forms A467T, A488T.
Identifiers: ClinVar variation 1721238 (VCV001721238.6), dbSNP rs1833531094, ClinGen allele CA375716624.

ClinVar aggregate classification (germline): Uncertain significance (1 of 4 stars; one submission).

Conditions:
Neurodevelopmental disorder with or without hyperkinetic movements and seizures, autosomal dominant. Also called: Intellectual disability, autosomal dominant 8. Identifiers: MedGen C3280282, MONDO:0013655, OMIM 614254.

Allele frequency attached by ClinVar (database versions not stated): gnomAD exomes below 0.00001.
gnomAD v4.1: 1 of 1,612,744 alleles (0.000062%); highest among the groups gnomAD compares: Non-Finnish European, 0.000085%; no homozygotes.

Submission:

Labcorp Genetics (formerly Invitae), Labcorp
Classification: Uncertain significance for Neurodevelopmental disorder with or without hyperkinetic movements and seizures, autosomal dominant. Last evaluated: 2022-10-08. Review status: criteria provided, single submitter. Criteria: Invitae Variant Classification Sherloc (09022015). Collection method: clinical testing. Allele origin: germline.
Comment: This sequence change replaces alanine, which is neutral and non-polar, with threonine, which is neutral and polar, at codon 467 of the GRIN1 protein (p.Ala467Thr). This variant is not present in population databases (gnomAD no frequency). This variant has not been reported in the literature in individuals affected with GRIN1-related conditions. Advanced modeling of protein sequence and biophysical properties (such as structural, functional, and spatial information, amino acid conservation, physicochemical variation, residue mobility, and thermodynamic stability) has been performed at Invitae for this missense variant, however the output from this modeling did not meet the statistical confidence thresholds required to predict the impact of this variant on GRIN1 protein function. In summary, the available evidence is currently insufficient to determine the role of this variant in disease. Therefore, it has been classified as a Variant of Uncertain Significance.